The following is an entry in ClinVar:

NM_005419.4(STAT2):c.1253A>G (p.Asn418Ser)

Gene: STAT2 (signal transducer and activator of transcription 2; minus strand). Cytogenetic location: 12q13.3.
Variant type: single nucleotide variant.
Coding change: c.1253A>G on transcript NM_005419.4 (MANE Select); coding-DNA position 1253, A replaced by G.
Protein change: p.Asn418Ser; replaces asparagine 418 with serine.
Molecular consequence: missense variant.
Genome position (GRCh38, 1-based): chr12:56,349,593, T>C on the plus strand (A>G on the coding strand, the complement: STAT2 is on the minus strand). VCF-style: chr12-56349593-T-C. GRCh37 (hg19) VCF-style: chr12-56743377-T-C.
Other names: c.1220A>G, p.Asn407Ser (NM_001385110.1); c.1253A>G, p.Asn418Ser (NM_001385111.1, NM_001385113.1); c.1232A>G, p.Asn411Ser (NM_001385114.1); c.1241A>G, p.Asn414Ser (NM_001385115.1, NM_198332.2); c.1253A>G (NM_005419.3); short protein forms N407S, N414S, N411S, N418S.
Identifiers: ClinVar variation 2164412 (VCV002164412.5), dbSNP rs777349249, ClinGen allele CA6630586.

ClinVar aggregate classification (germline): Uncertain significance. Review status: criteria provided, multiple submitters, no conflicts (2 of 4 stars). 2 submissions from 2 submitters: Uncertain significance (2). Last evaluated 2025-12-11.

Conditions:
Primary immunodeficiency with post-measles-mumps-rubella vaccine viral infection. Also called: Immunodeficiency 44. Identifiers: Orphanet 431166, MedGen C4225260, MONDO:0014715, OMIM 616636.
Inborn genetic diseases. Identifiers: MedGen C0950123, MeSH D030342.

Allele frequency attached by ClinVar (database versions not stated): TOPMed below 0.00001; gnomAD exomes 0.00001; ExAC 0.00002.

Submissions (2):

Ambry Genetics
Classification: Uncertain significance for Inborn genetic diseases. Last evaluated: 2025-12-11. Review status: criteria provided, single submitter. Criteria: Ambry Variant Classification Scheme 2023. Collection method: clinical testing. Allele origin: germline.

Labcorp Genetics (formerly Invitae), Labcorp
Classification: Uncertain significance for Primary immunodeficiency with post-measles-mumps-rubella vaccine viral infection. Last evaluated: 2022-07-30. Review status: criteria provided, single submitter. Criteria: Invitae Variant Classification Sherloc (09022015). Collection method: clinical testing. Allele origin: germline.
Comment: This sequence change replaces asparagine, which is neutral and polar, with serine, which is neutral and polar, at codon 418 of the STAT2 protein (p.Asn418Ser). This variant is present in population databases (rs777349249, gnomAD 0.01%). This variant has not been reported in the literature in individuals affected with STAT2-related conditions. Advanced modeling of protein sequence and biophysical properties (such as structural, functional, and spatial information, amino acid conservation, physicochemical variation, residue mobility, and thermodynamic stability) performed at Invitae indicates that this missense variant is expected to disrupt STAT2 protein function. In summary, the available evidence is currently insufficient to determine the role of this variant in disease. Therefore, it has been classified as a Variant of Uncertain Significance.